The following is an entry in ClinVar:

ClinVar aggregate classification (germline): Likely benign. Review status: criteria provided, single submitter (1 of 4 stars). 2 submissions from 2 submitters: Likely benign (1). 1 of the submissions does not count toward it. Last evaluated 2022-01-10.

Conditions:
Inborn genetic diseases. Identifiers: MedGen C0950123, MeSH D030342.
BAZ2B-related disorder. Also called: BAZ2B-related condition.

Allele frequency attached by ClinVar (database versions not stated): gnomAD 0.00025; TOPMed 0.00036; 1000 Genomes Project 0.00040; ExAC 0.00061; 1000 Genomes Project 30x 0.00062.
gnomAD v4.1: 266 of 1,614,150 alleles (0.016%); highest among the groups gnomAD compares: East Asian, 0.49%; 1 homozygote.

Submissions (2):

Ambry Genetics
Classification: Likely benign for Inborn genetic diseases. Last evaluated: 2022-01-10. Review status: criteria provided, single submitter. Criteria: Ambry Variant Classification Scheme 2023. Collection method: clinical testing. Allele origin: germline.

PreventionGenetics, part of Exact Sciences
Classification: Likely benign for BAZ2B-related condition. Last evaluated: 2019-03-29. Review status: no assertion criteria provided. Collection method: clinical testing. Allele origin: germline. Not counted in ClinVar's aggregate classification.
Comment: This variant is classified as likely benign based on ACMG/AMP sequence variant interpretation guidelines (Richards et al. 2015 PMID: 25741868, with internal and published modifications).

NM_013450.4(BAZ2B):c.1499G>C (p.Ser500Thr)

Gene: BAZ2B (bromodomain adjacent to zinc finger domain 2B; minus strand). Cytogenetic location: 2q24.2.
Variant type: single nucleotide variant.
Coding change: c.1499G>C on transcript NM_013450.4 (MANE Select); coding-DNA position 1499, G replaced by C.
Protein change: p.Ser500Thr; replaces serine 500 with threonine.
Molecular consequence: missense variant.
Genome position (GRCh38, 1-based): chr2:159,433,158, C>G on the plus strand (G>C on the coding strand, the complement: BAZ2B is on the minus strand). VCF-style: chr2-159433158-C-G. GRCh37 (hg19) VCF-style: chr2-160289669-C-G.
Other names: c.1493G>C, p.Ser498Thr (NM_001289975.1); c.1310G>C, p.Ser437Thr (NM_001329857.2); c.1499G>C, p.Ser500Thr (NM_001329858.2); short protein forms S500T, S437T, S498T.
Identifiers: ClinVar variation 2350351 (VCV002350351.4), dbSNP rs184072648, ClinGen allele CA1924902.
Genomic context (GRCh38, chr2:159,433,158, plus strand): 5'-TTAATCTTGCTCTGCATTTTAGTTTTGGTAGTAAGTGCTAGAGGAGCTTCTTGAATGACA[C>G]TTTGAATAACTCCATTTGGTTGGTGATTACCTAAAAGTGCATTTGTCAAGAATGGATTTG-3'
Protein context (NP_038478.2, residues 490-510): GNHQPNGVIQ[Ser500Thr]VIQEAPLALT